The following is an entry in ClinVar:

ClinVar aggregate classification (germline): Uncertain significance. Review status: criteria provided, multiple submitters, no conflicts (2 of 4 stars). 2 submissions from 2 submitters: Uncertain significance (2). Last evaluated 2025-12-15.

Conditions:
Inborn genetic diseases. Identifiers: MedGen C0950123, MeSH D030342.

Allele frequency attached by ClinVar (database versions not stated): gnomAD 0.00001; gnomAD exomes 0.00001; TOPMed 0.00001; ESP Exome Variant Server 0.00008.
gnomAD v4.1: 18 of 1,613,998 alleles (0.0011%); highest among the groups gnomAD compares: South Asian, 0.0022%; no homozygotes.

Submissions (2):

Labcorp Genetics (formerly Invitae), Labcorp
Classification: Uncertain significance. Last evaluated: 2025-12-15. Review status: criteria provided, single submitter. Criteria: Invitae Variant Classification Sherloc (09022015). Collection method: clinical testing. Allele origin: germline.
Comment: This sequence change replaces arginine, which is basic and polar, with histidine, which is basic and polar, at codon 1280 of the MYH3 protein (p.Arg1280His). This variant is present in population databases (rs148568052, gnomAD 0.003%). This variant has not been reported in the literature in individuals affected with MYH3-related conditions. ClinVar contains an entry for this variant (Variation ID: 2141505). Invitae Evidence Modeling of protein sequence and biophysical properties (such as structural, functional, and spatial information, amino acid conservation, physicochemical variation, residue mobility, and thermodynamic stability) indicates that this missense variant is not expected to disrupt MYH3 protein function with a negative predictive value of 95%. In summary, the available evidence is currently insufficient to determine the role of this variant in disease. Therefore, it has been classified as a Variant of Uncertain Significance.

Ambry Genetics
Classification: Uncertain significance for Inborn genetic diseases. Last evaluated: 2025-01-07. Review status: criteria provided, single submitter. Criteria: Ambry Variant Classification Scheme 2023. Collection method: clinical testing. Allele origin: germline.

NM_002470.4(MYH3):c.3839G>A (p.Arg1280His)

Gene: MYH3 (myosin heavy chain 3; minus strand). Cytogenetic location: 17p13.1.
Variant type: single nucleotide variant.
Coding change: c.3839G>A on transcript NM_002470.4 (MANE Select); coding-DNA position 3839, G replaced by A.
Protein change: p.Arg1280His; replaces arginine 1280 with histidine.
Molecular consequence: missense variant.
Genome position (GRCh38, 1-based): chr17:10,637,826, C>T on the plus strand (G>A on the coding strand, the complement: MYH3 is on the minus strand). VCF-style: chr17-10637826-C-T. GRCh37 (hg19) VCF-style: chr17-10541143-C-T.
Other names: c.3839G>A (NM_002470.3); short protein forms R1280H.
Identifiers: ClinVar variation 2141505 (VCV002141505.5), dbSNP rs148568052, ClinGen allele CA287783489.